The following is an entry in ClinVar:

ClinVar aggregate classification (germline): Conflicting classifications of pathogenicity. Review status: criteria provided, conflicting classifications (1 of 4 stars). 2 submissions from 2 submitters: Uncertain significance (1); Likely benign (1). Last evaluated 2024-03-27.

Conditions:
Inborn genetic diseases. Identifiers: MedGen C0950123, MeSH D030342.

Allele frequency attached by ClinVar (database versions not stated): gnomAD exomes 0.00004; TOPMed 0.00005; gnomAD 0.00007; ExAC 0.00011; 1000 Genomes Project 30x 0.00031; 1000 Genomes Project 0.00040.
gnomAD v4.1: 75 of 1,614,230 alleles (0.0046%); highest among the groups gnomAD compares: East Asian, 0.1%; no homozygotes.

Submissions (2):

Mayo Clinic Laboratories, Mayo Clinic
Classification: Uncertain significance. Last evaluated: 2024-03-27. Review status: criteria provided, single submitter. Criteria: ACMG Guidelines, 2015. Collection method: clinical testing. Allele origin: germline. Observed: 2 variant alleles.
Comment: BS1

Ambry Genetics
Classification: Likely benign for Inborn genetic diseases. Last evaluated: 2021-09-24. Review status: criteria provided, single submitter. Criteria: Ambry Variant Classification Scheme 2023. Collection method: clinical testing. Allele origin: germline.

Literature cited by the submitters: PubMed 28804758 (cited by Mayo Clinic Laboratories, Mayo Clinic).

NM_016580.4(PCDH12):c.995T>A (p.Ile332Asn)

Genes: PCDH12 (protocadherin 12; minus strand), RNF14 (ring finger protein 14; plus strand). Cytogenetic location: 5q31.3.
Variant type: single nucleotide variant.
Coding change: c.995T>A on transcript NM_016580.4 (MANE Select); coding-DNA position 995, T replaced by A.
Protein change: p.Ile332Asn; replaces isoleucine 332 with asparagine.
Molecular consequence: missense variant.
Genome position (GRCh38, 1-based): chr5:141,956,857, A>T on the plus strand (T>A on the coding strand, the complement: PCDH12 is on the minus strand). VCF-style: chr5-141956857-A-T. GRCh37 (hg19) VCF-style: chr5-141336422-A-T.
Other names: p.Ile332Asn; c.995T>A (NM_016580.3); short protein forms I332N.
Identifiers: ClinVar variation 2341138 (VCV002341138.3), dbSNP rs146725009, ClinGen allele CA3484472.